The following is an entry in ClinVar:

ClinVar aggregate classification (germline): Uncertain significance (1 of 4 stars; one submission).

gnomAD v4.1: 1 of 1,580,158 alleles (0.000063%); highest among the groups gnomAD compares: Non-Finnish European, 0.000085%; no homozygotes.

Submission:

Ambry Genetics
Classification: Uncertain significance. Last evaluated: 2025-08-31. Review status: criteria provided, single submitter. Criteria: Ambry Variant Classification Scheme 2023. Collection method: clinical testing. Allele origin: germline.
Comment: The p.S893N variant (also known as c.2678G>A), located in coding exon 13 of the GEN1 gene, results from a G to A substitution at nucleotide position 2678. The serine at codon 893 is replaced by asparagine, an amino acid with highly similar properties. This amino acid position is conserved. In addition, this alteration is predicted to be tolerated by in silico analysis. Based on the available evidence, the clinical significance of this variant remains unclear.

NM_001130009.3(GEN1):c.2678G>A (p.Ser893Asn)

Gene: GEN1 (GEN1 Holliday junction 5' flap endonuclease; plus strand). Cytogenetic location: 2p24.2.
Variant type: single nucleotide variant.
Coding change: c.2678G>A on transcript NM_001130009.3 (MANE Select); coding-DNA position 2678, G replaced by A.
Protein change: p.Ser893Asn; replaces serine 893 with asparagine.
Molecular consequence: missense variant.
Genome position (GRCh38, 1-based): chr2:17,781,890, G>A. VCF-style: chr2-17781890-G-A. GRCh37 (hg19) VCF-style: chr2-17963157-G-A.
Other names: c.2678G>A, p.Ser893Asn (NM_182625.5); short protein forms S893N.
Identifiers: ClinVar variation 4263113 (VCV004263113.1).